The following is an entry in ClinVar:

ClinVar aggregate classification (germline): Benign/Likely benign. Review status: criteria provided, multiple submitters, no conflicts (2 of 4 stars). 4 submissions from 4 submitters: Benign (3); Likely benign (1). Last evaluated 2026-01-25.

Conditions:
Infantile hypertrophic cardiomyopathy due to MRPL44 deficiency. Also called: Combined oxidative phosphorylation deficiency 16. Identifiers: Orphanet 352563, MedGen C3809339, MONDO:0014162, OMIM 615395.

Allele frequency attached by ClinVar (database versions not stated): gnomAD exomes 0.00194 and 0.00418; ExAC 0.00493; gnomAD 0.01359 and 0.01453; ESP Exome Variant Server 0.01445; 1000 Genomes Project 0.01518; TOPMed 0.01524; 1000 Genomes Project 30x 0.01624.
gnomAD v4.1: 5,081 of 1,601,214 alleles (0.32%); highest among the groups gnomAD compares: African/African-American, 4.1%; 77 homozygotes.

Submissions (4):

Labcorp Genetics (formerly Invitae), Labcorp
Classification: Benign. Last evaluated: 2026-01-25. Review status: criteria provided, single submitter. Criteria: Invitae Variant Classification Sherloc (09022015). Collection method: clinical testing. Allele origin: germline.

Fulgent Genetics
Classification: Likely benign for Infantile hypertrophic cardiomyopathy due to MRPL44 deficiency. Last evaluated: 2021-10-08. Review status: criteria provided, single submitter. Criteria: ACMG Guidelines, 2015. Collection method: clinical testing. Allele origin: unknown.

GeneDx
Classification: Benign. Last evaluated: 2014-02-21. Review status: criteria provided, single submitter. Criteria: GeneDx Variant Classification (06012015). Collection method: clinical testing. Allele origin: germline. Affected: yes.
Comment: This variant is considered likely benign or benign based on one or more of the following criteria: it is a conservative change, it occurs at a poorly conserved position in the protein, it is predicted to be benign by multiple in silico algorithms, and/or has population frequency not consistent with disease.

Breakthrough Genomics
Classification: Benign. Review status: criteria provided, single submitter. Criteria: ACMG Guidelines, 2015. Collection method: not provided. Allele origin: germline. Inheritance: Autosomal recessive inheritance. Affected: yes.

NM_022915.5(MRPL44):c.827+18C>T

Gene: MRPL44 (mitochondrial ribosomal protein L44; plus strand). Cytogenetic location: 2q36.1.
Variant type: single nucleotide variant.
Coding change: c.827+18C>T on transcript NM_022915.5 (MANE Select); 18 bases into the intron after coding-DNA position 827, C replaced by T.
Molecular consequence: intron variant.
Genome position (GRCh38, 1-based): chr2:223,963,952, C>T. VCF-style: chr2-223963952-C-T. GRCh37 (hg19) VCF-style: chr2-224828669-C-T.
Identifiers: ClinVar variation 138247 (VCV000138247.13), dbSNP rs58911111, ClinGen allele CA292136.